The following is an entry in ClinVar:

NM_001853.4(COL9A3):c.1977G>A (p.Pro659=)

Gene: COL9A3 (collagen type IX alpha 3 chain; plus strand). Cytogenetic location: 20q13.33.
Variant type: single nucleotide variant.
Coding change: c.1977G>A on transcript NM_001853.4 (MANE Select); coding-DNA position 1977, G replaced by A.
Protein change: p.Pro659=; no amino-acid change (proline 659 retained).
Molecular consequence: synonymous variant.
Genome position (GRCh38, 1-based): chr20:62,840,654, G>A. VCF-style: chr20-62840654-G-A. GRCh37 (hg19) VCF-style: chr20-61472006-G-A.
Identifiers: ClinVar variation 757825 (VCV000757825.11), dbSNP rs151053308, ClinGen allele CA9950274.

ClinVar aggregate classification (germline): Likely benign. Review status: criteria provided, multiple submitters, no conflicts (2 of 4 stars). 3 submissions from 3 submitters: Likely benign (2). 1 of the submissions does not count toward it. Last evaluated 2025-10-06.

Conditions:
COL9A3-related disorder. Also called: COL9A3-related condition.

Allele frequency attached by ClinVar (database versions not stated): ExAC 0.00006; gnomAD exomes 0.00008; ESP Exome Variant Server 0.00023; TOPMed 0.00030; gnomAD 0.00031 and 0.00038.
gnomAD v4.1: 119 of 1,608,626 alleles (0.0074%); highest among the groups gnomAD compares: African/African-American, 0.12%; no homozygotes.

Submissions (3):

Labcorp Genetics (formerly Invitae), Labcorp
Classification: Likely benign. Last evaluated: 2025-10-06. Review status: criteria provided, single submitter. Criteria: Invitae Variant Classification Sherloc (09022015). Collection method: clinical testing. Allele origin: germline.

Blueprint Genetics
Classification: Likely benign. Last evaluated: 2024-01-02. Review status: criteria provided, single submitter. Criteria: ACMG Guidelines, 2015. Collection method: clinical testing. Allele origin: germline.

PreventionGenetics, part of Exact Sciences
Classification: Likely benign for COL9A3-related condition. Last evaluated: 2020-02-18. Review status: no assertion criteria provided. Collection method: clinical testing. Allele origin: germline. Not counted in ClinVar's aggregate classification.
Comment: This variant is classified as likely benign based on ACMG/AMP sequence variant interpretation guidelines (Richards et al. 2015 PMID: 25741868, with internal and published modifications).